The following is an entry in ClinVar:

NM_000302.4(PLOD1):c.262C>G (p.His88Asp)

Gene: PLOD1 (procollagen-lysine,2-oxoglutarate 5-dioxygenase 1; plus strand). Cytogenetic location: 1p36.22.
Variant type: single nucleotide variant.
Coding change: c.262C>G on transcript NM_000302.4 (MANE Select); coding-DNA position 262, C replaced by G.
Protein change: p.His88Asp; replaces histidine 88 with aspartic acid.
Molecular consequence: missense variant.
Genome position (GRCh38, 1-based): chr1:11,949,866, C>G. VCF-style: chr1-11949866-C-G. GRCh37 (hg19) VCF-style: chr1-12009923-C-G.
Other names: c.403C>G, p.His135Asp (NM_001316320.2); short protein forms H135D, H88D.
Identifiers: ClinVar variation 1009925 (VCV001009925.6), dbSNP rs1645686634, ClinGen allele CA338426357.
Genomic context (GRCh38, chr1:11,949,866, plus strand): 5'-AAGGGGACGTCGGCAGGTGGAGGGCAGAAGGTCCGGCTGCTGAAGAAAGCTCTGGAGAAG[C>G]ACGCAGACAAGGAGGATCTGGTCATTCTCTTCGCAGACAGGTAGGTGGGTCAGGGCTTCC-3'
Protein context (NP_000293.2, residues 78-98): VRLLKKALEK[His88Asp]ADKEDLVILF

ClinVar aggregate classification (germline): Uncertain significance (1 of 4 stars; one submission).

Conditions:
Ehlers-Danlos syndrome, kyphoscoliotic type 1 (EDSKSCL1). Also called: EHLERS-DANLOS SYNDROME, TYPE VIA; PLOD1-Related Kyphoscoliotic Ehlers-Danlos Syndrome; Ehlers-Danlos syndrome, hydroxylysine-deficient; EHLERS-DANLOS SYNDROME, OCULAR-SCOLIOTIC TYPE. Identifiers: Orphanet 1900, MedGen C0268342, MONDO:0016002, OMIM 225400. Disease mechanism: loss of function.

Allele frequency attached by ClinVar (database versions not stated): gnomAD exomes below 0.00001; TOPMed below 0.00001.
gnomAD v4.1: 3 of 1,614,100 alleles (0.00019%); highest among the groups gnomAD compares: Non-Finnish European, 0.00025%; no homozygotes.

Submission:

Labcorp Genetics (formerly Invitae), Labcorp
Classification: Uncertain significance for Ehlers-Danlos syndrome, kyphoscoliotic type 1. Last evaluated: 2021-09-01. Review status: criteria provided, single submitter. Criteria: Invitae Variant Classification Sherloc (09022015). Collection method: clinical testing. Allele origin: germline.
Comment: This sequence change replaces histidine with aspartic acid at codon 88 of the PLOD1 protein (p.His88Asp). The histidine residue is moderately conserved and there is a moderate physicochemical difference between histidine and aspartic acid. This variant is not present in population databases (ExAC no frequency). This variant has not been reported in the literature in individuals affected with PLOD1-related conditions. Algorithms developed to predict the effect of missense changes on protein structure and function (SIFT, PolyPhen-2, Align-GVGD) all suggest that this variant is likely to be tolerated. In summary, the available evidence is currently insufficient to determine the role of this variant in disease. Therefore, it has been classified as a Variant of Uncertain Significance.